The following is an entry in ClinVar:

ClinVar aggregate classification (germline): Benign (1 of 4 stars; one submission).

Allele frequency attached by ClinVar (database versions not stated): 1000 Genomes Project 0.00020; 1000 Genomes Project 30x 0.00031; gnomAD exomes 0.00076; ESP Exome Variant Server 0.00077; gnomAD 0.00092; TOPMed 0.00100; ExAC 0.00130.
gnomAD v4.1: 1,361 of 1,613,684 alleles (0.084%); highest among the groups gnomAD compares: Middle Eastern, 0.12%; 17 homozygotes.

Submission:

CeGaT Center for Human Genetics Tuebingen
Classification: Benign. Last evaluated: 2023-11-01. Review status: criteria provided, single submitter. Criteria: CeGaT Center For Human Genetics Tuebingen Variant Classification Criteria Version 2. Collection method: clinical testing. Allele origin: germline. Affected: yes. Observed: 1 variant allele.
Comment: HEATR3: BP4, BS1, BS2

NM_182922.4(HEATR3):c.1894G>C (p.Glu632Gln)

Gene: HEATR3 (HEAT repeat containing 3; plus strand). Cytogenetic location: 16q12.1.
Variant type: single nucleotide variant.
Coding change: c.1894G>C on transcript NM_182922.4 (MANE Select); coding-DNA position 1894, G replaced by C.
Protein change: p.Glu632Gln; replaces glutamic acid 632 with glutamine.
Molecular consequence: missense variant. On other transcripts: non-coding transcript variant (2).
Genome position (GRCh38, 1-based): chr16:50,102,409, G>C. VCF-style: chr16-50102409-G-C. GRCh37 (hg19) VCF-style: chr16-50136320-G-C.
Other names: c.1543G>C, p.Glu515Gln (NM_001329729.2, NM_001329730.2); c.1201G>C, p.Glu401Gln (NM_001329731.2); short protein forms E401Q, E515Q, E632Q.
Identifiers: ClinVar variation 2672636 (VCV002672636.23), dbSNP rs149086832, ClinGen allele CA8047794.